The following is an entry in ClinVar:

NM_004958.4(MTOR):c.6956A>G (p.Asn2319Ser)

Gene: MTOR (mechanistic target of rapamycin kinase; minus strand). Cytogenetic location: 1p36.22.
Variant type: single nucleotide variant.
Coding change: c.6956A>G on transcript NM_004958.4 (MANE Select); coding-DNA position 6956, A replaced by G.
Protein change: p.Asn2319Ser; replaces asparagine 2319 with serine.
Molecular consequence: missense variant.
Genome position (GRCh38, 1-based): chr1:11,117,064, T>C on the plus strand (A>G on the coding strand, the complement: MTOR is on the minus strand). VCF-style: chr1-11117064-T-C. GRCh37 (hg19) VCF-style: chr1-11177121-T-C.
Other names: short protein forms N2319S.
Identifiers: ClinVar variation 857564 (VCV000857564.9), dbSNP rs1642202315, ClinGen allele CA338383693.

ClinVar aggregate classification (germline): Uncertain significance (1 of 4 stars; one submission).

Allele frequency attached by ClinVar (database versions not stated): gnomAD exomes below 0.00001; TOPMed below 0.00001.
gnomAD v4.1: 1 of 1,613,266 alleles (0.000062%); highest among the groups gnomAD compares: Non-Finnish European, 0.000085%; no homozygotes.

Submission:

Labcorp Genetics (formerly Invitae), Labcorp
Classification: Uncertain significance. Last evaluated: 2020-02-07. Review status: criteria provided, single submitter. Criteria: Invitae Variant Classification Sherloc (09022015). Collection method: clinical testing. Allele origin: germline.
Comment: This sequence change replaces asparagine with serine at codon 2319 of the MTOR protein (p.Asn2319Ser). The asparagine residue is moderately conserved and there is a small physicochemical difference between asparagine and serine. This variant is not present in population databases (ExAC no frequency). This variant has not been reported in the literature in individuals with MTOR-related conditions. Algorithms developed to predict the effect of missense changes on protein structure and function are either unavailable or do not agree on the potential impact of this missense change (SIFT: "Tolerated"; PolyPhen-2: "Probably Damaging"; Align-GVGD: "Class C0"). In summary, the available evidence is currently insufficient to determine the role of this variant in disease. Therefore, it has been classified as a Variant of Uncertain Significance.